The following is an entry in ClinVar:

NM_000899.5(KITLG):c.388C>T (p.Pro130Ser)

Gene: KITLG (KIT ligand; minus strand). Cytogenetic location: 12q21.32.
Variant type: single nucleotide variant.
Coding change: c.388C>T on transcript NM_000899.5 (MANE Select); coding-DNA position 388, C replaced by T.
Protein change: p.Pro130Ser; replaces proline 130 with serine.
Molecular consequence: missense variant.
Genome position (GRCh38, 1-based): chr12:88,516,466, G>A on the plus strand (C>T on the coding strand, the complement: KITLG is on the minus strand). VCF-style: chr12-88516466-G-A. GRCh37 (hg19) VCF-style: chr12-88910243-G-A.
Other names: c.388C>T, p.Pro130Ser (NM_003994.6); short protein forms P130S.
Identifiers: ClinVar variation 2784683 (VCV002784683.3), dbSNP rs2499147557, ClinGen allele CA386122296.

ClinVar aggregate classification (germline): Uncertain significance (1 of 4 stars; one submission).

Allele frequency attached by ClinVar (database versions not stated): gnomAD exomes below 0.00001.

Submission:

Labcorp Genetics (formerly Invitae), Labcorp
Classification: Uncertain significance. Last evaluated: 2023-12-20. Review status: criteria provided, single submitter. Criteria: Invitae Variant Classification Sherloc (09022015). Collection method: clinical testing. Allele origin: germline.
Comment: This sequence change replaces proline, which is neutral and non-polar, with serine, which is neutral and polar, at codon 130 of the KITLG protein (p.Pro130Ser). This variant is not present in population databases (gnomAD no frequency). This variant has not been reported in the literature in individuals affected with KITLG-related conditions. Advanced modeling of protein sequence and biophysical properties (such as structural, functional, and spatial information, amino acid conservation, physicochemical variation, residue mobility, and thermodynamic stability) performed at Invitae indicates that this missense variant is not expected to disrupt KITLG protein function with a negative predictive value of 80%. In summary, the available evidence is currently insufficient to determine the role of this variant in disease. Therefore, it has been classified as a Variant of Uncertain Significance.